The following is an entry in ClinVar:

NM_001844.5(COL2A1):c.2518-3T>G

Gene: COL2A1 (collagen type II alpha 1 chain; minus strand). Cytogenetic location: 12q13.11.
Variant type: single nucleotide variant.
Coding change: c.2518-3T>G on transcript NM_001844.5 (MANE Select); 3 bases into the intron before coding-DNA position 2518, T replaced by G.
Molecular consequence: intron variant.
Genome position (GRCh38, 1-based): chr12:47,980,664, A>C on the plus strand (T>G on the coding strand, the complement: COL2A1 is on the minus strand). VCF-style: chr12-47980664-A-C. GRCh37 (hg19) VCF-style: chr12-48374447-A-C.
Other names: c.2311-3T>G (NM_033150.3).
Identifiers: ClinVar variation 2814920 (VCV002814920.4), dbSNP rs1305461428, ClinGen allele CA2739271984.
Genomic context (GRCh38, chr12:47,980,664, plus strand): 5'-CGCCTTTCTGGCCGGCCTCTCCTTGCTCACCCTTGGCCCCAGGCTGGCCATCAGCACCCT[A>C]TAATGGGAAGGAGGAAGCAGGTGAATGAGGGGCAGGCTAAAACCCTGGAGCTCTTCCAGA-3'

ClinVar aggregate classification (germline): Uncertain significance. Review status: criteria provided, multiple submitters, no conflicts (2 of 4 stars). 2 submissions from 2 submitters: Uncertain significance (2). Last evaluated 2024-11-22.

Submissions (2):

GeneDx
Classification: Uncertain significance. Last evaluated: 2024-11-22. Review status: criteria provided, single submitter. Criteria: GeneDx Variant Classification Process June 2021. Collection method: clinical testing. Allele origin: germline. Affected: yes.
Comment: Not observed at significant frequency in large population cohorts (gnomAD); In silico analysis supports a deleterious effect on splicing; Has not been previously published as pathogenic or benign to our knowledge

Labcorp Genetics (formerly Invitae), Labcorp
Classification: Uncertain significance. Last evaluated: 2022-11-24. Review status: criteria provided, single submitter. Criteria: Invitae Variant Classification Sherloc (09022015). Collection method: clinical testing. Allele origin: germline.
Comment: In summary, the available evidence is currently insufficient to determine the role of this variant in disease. Therefore, it has been classified as a Variant of Uncertain Significance. Variants that disrupt the consensus splice site are a relatively common cause of aberrant splicing (PMID: 17576681, 9536098). Algorithms developed to predict the effect of sequence changes on RNA splicing suggest that this variant may disrupt the consensus splice site. This variant has not been reported in the literature in individuals affected with COL2A1-related conditions. This variant is not present in population databases (gnomAD no frequency). This sequence change falls in intron 38 of the COL2A1 gene. It does not directly change the encoded amino acid sequence of the COL2A1 protein. It affects a nucleotide within the consensus splice site.

Literature cited by the submitters: PubMed 17576681 (cited by Labcorp Genetics (formerly Invitae), Labcorp); PubMed 9536098 (cited by Labcorp Genetics (formerly Invitae), Labcorp).